The following is an entry in ClinVar:

ClinVar aggregate classification (germline): Uncertain significance. Review status: criteria provided, multiple submitters, no conflicts (2 of 4 stars). 2 submissions from 2 submitters: Uncertain significance (2). Last evaluated 2025-12-20.

Conditions:
Inborn genetic diseases. Identifiers: MedGen C0950123, MeSH D030342.

Allele frequency attached by ClinVar (database versions not stated): ExAC 0.00001.
gnomAD v4.1: 35 of 1,559,974 alleles (0.0022%); highest among the groups gnomAD compares: Non-Finnish European, 0.003%; no homozygotes.

Submissions (2):

Labcorp Genetics (formerly Invitae), Labcorp
Classification: Uncertain significance. Last evaluated: 2025-12-20. Review status: criteria provided, single submitter. Criteria: Invitae Variant Classification Sherloc (09022015). Collection method: clinical testing. Allele origin: germline.
Comment: This sequence change replaces arginine, which is basic and polar, with glycine, which is neutral and non-polar, at codon 1583 of the DCHS1 protein (p.Arg1583Gly). This variant is present in population databases (rs148882462, gnomAD 0.001%). This variant has not been reported in the literature in individuals affected with DCHS1-related conditions. ClinVar contains an entry for this variant (Variation ID: 1477327). Invitae Evidence Modeling of protein sequence and biophysical properties (such as structural, functional, and spatial information, amino acid conservation, physicochemical variation, residue mobility, and thermodynamic stability) indicates that this missense variant is not expected to disrupt DCHS1 protein function with a negative predictive value of 80%. In summary, the available evidence is currently insufficient to determine the role of this variant in disease. Therefore, it has been classified as a Variant of Uncertain Significance.

Ambry Genetics
Classification: Uncertain significance for Inborn genetic diseases. Last evaluated: 2021-12-02. Review status: criteria provided, single submitter. Criteria: Ambry Variant Classification Scheme 2023. Collection method: clinical testing. Allele origin: germline.

NM_003737.4(DCHS1):c.4747C>G (p.Arg1583Gly)

Gene: DCHS1 (dachsous cadherin-related 1; minus strand). Cytogenetic location: 11p15.4.
Variant type: single nucleotide variant.
Coding change: c.4747C>G on transcript NM_003737.4 (MANE Select); coding-DNA position 4747, C replaced by G.
Protein change: p.Arg1583Gly; replaces arginine 1583 with glycine.
Molecular consequence: missense variant.
Genome position (GRCh38, 1-based): chr11:6,630,047, G>C on the plus strand (C>G on the coding strand, the complement: DCHS1 is on the minus strand). VCF-style: chr11-6630047-G-C. GRCh37 (hg19) VCF-style: chr11-6651278-G-C.
Other names: c.4747C>G (NM_003737.2); short protein forms R1583G.
Identifiers: ClinVar variation 1477327 (VCV001477327.9), dbSNP rs148882462, ClinGen allele CA5860294.